The following is an entry in ClinVar:

ClinVar aggregate classification (germline): Uncertain significance. Review status: criteria provided, multiple submitters, no conflicts (2 of 4 stars). 3 submissions from 3 submitters: Uncertain significance (3). Last evaluated 2024-11-15.

Conditions:
IFT172-related disorder. Also called: IFT172-related disorders; IFT172-related condition.
Inborn genetic diseases. Identifiers: MedGen C0950123, MeSH D030342.

Allele frequency attached by ClinVar (database versions not stated): gnomAD 0.00001; TOPMed 0.00002.
gnomAD v4.1: 7 of 1,605,408 alleles (0.00044%); highest among the groups gnomAD compares: East Asian, 0.011%; no homozygotes.

Submissions (3):

PreventionGenetics, part of Exact Sciences
Classification: Uncertain significance for IFT172-related condition. Last evaluated: 2024-11-15. Review status: criteria provided, single submitter. Criteria: ACMG Guidelines, 2015. Collection method: clinical testing. Allele origin: germline.
Comment: The IFT172 c.4050+6T>C variant is predicted to interfere with splicing. To our knowledge, this variant has not been reported in the literature. This variant is reported in 0.025% of alleles in individuals of East Asian descent in gnomAD. At this time, the clinical significance of this variant is uncertain due to the absence of conclusive functional and genetic evidence.

Blueprint Genetics
Classification: Uncertain significance. Last evaluated: 2023-04-20. Review status: criteria provided, single submitter. Criteria: ACMG Guidelines, 2015. Collection method: clinical testing. Allele origin: germline.

Ambry Genetics
Classification: Uncertain significance for Inborn genetic diseases. Last evaluated: 2021-08-31. Review status: criteria provided, single submitter. Criteria: Ambry Variant Classification Scheme 2023. Collection method: clinical testing. Allele origin: germline.
Comment: The c.4050+6T>C intronic alteration consists of a T to C substitution nucleotides after coding exon 36 in the IFT172 gene. Based on insufficient or conflicting evidence, the clinical significance of this alteration remains unclear.

NM_015662.3(IFT172):c.4050+6T>C

Gene: IFT172 (intraflagellar transport 172; minus strand). Cytogenetic location: 2p23.3.
Variant type: single nucleotide variant.
Coding change: c.4050+6T>C on transcript NM_015662.3 (MANE Select); 6 bases into the intron after coding-DNA position 4050, T replaced by C.
Molecular consequence: intron variant.
Genome position (GRCh38, 1-based): chr2:27,449,992, A>G on the plus strand (T>C on the coding strand, the complement: IFT172 is on the minus strand). VCF-style: chr2-27449992-A-G. GRCh37 (hg19) VCF-style: chr2-27672859-A-G.
Other names: c.4050+6T>C (NM_015662.2).
Identifiers: ClinVar variation 2238999 (VCV002238999.4), dbSNP rs769241426, ClinGen allele CA1579751.